The following is an entry in ClinVar:

ClinVar aggregate classification (germline): Uncertain significance (1 of 4 stars; one submission).

gnomAD v4.1: 3 of 1,614,102 alleles (0.00019%); highest among the groups gnomAD compares: Non-Finnish European, 0.00025%; no homozygotes.

Submission:

Labcorp Genetics (formerly Invitae), Labcorp
Classification: Uncertain significance. Last evaluated: 2025-06-11. Review status: criteria provided, single submitter. Criteria: Invitae Variant Classification Sherloc (09022015). Collection method: clinical testing. Allele origin: germline.
Comment: This sequence change replaces alanine, which is neutral and non-polar, with threonine, which is neutral and polar, at codon 2493 of the DNAH9 protein (p.Ala2493Thr). This variant is not present in population databases (gnomAD no frequency). This variant has not been reported in the literature in individuals affected with DNAH9-related conditions. Invitae Evidence Modeling of protein sequence and biophysical properties (such as structural, functional, and spatial information, amino acid conservation, physicochemical variation, residue mobility, and thermodynamic stability) indicates that this missense variant is not expected to disrupt DNAH9 protein function with a negative predictive value of 80%. In summary, the available evidence is currently insufficient to determine the role of this variant in disease. Therefore, it has been classified as a Variant of Uncertain Significance.

NM_001372.4(DNAH9):c.7477G>A (p.Ala2493Thr)

Gene: DNAH9 (dynein axonemal heavy chain 9; plus strand). Cytogenetic location: 17p12.
Variant type: single nucleotide variant.
Coding change: c.7477G>A on transcript NM_001372.4 (MANE Select); coding-DNA position 7477, G replaced by A.
Protein change: p.Ala2493Thr; replaces alanine 2493 with threonine.
Molecular consequence: missense variant.
Genome position (GRCh38, 1-based): chr17:11,769,254, G>A. VCF-style: chr17-11769254-G-A. GRCh37 (hg19) VCF-style: chr17-11672571-G-A.
Other names: short protein forms A2493T.
Identifiers: ClinVar variation 4704582 (VCV004704582.1).